The following is an entry in ClinVar:

NM_014329.5(EDC4):c.1634-22C>G

Gene: EDC4 (enhancer of mRNA decapping 4; plus strand). Cytogenetic location: 16q22.1.
Variant type: single nucleotide variant.
Coding change: c.1634-22C>G on transcript NM_014329.5 (MANE Select); 22 bases into the intron before coding-DNA position 1634, C replaced by G.
Molecular consequence: intron variant.
Genome position (GRCh38, 1-based): chr16:67,879,565, C>G. VCF-style: chr16-67879565-C-G. GRCh37 (hg19) VCF-style: chr16-67913468-C-G.
Other names: c.1634-22C>G (NM_001427345.1).
Identifiers: ClinVar variation 4978563 (VCV004978563.1).

ClinVar aggregate classification (germline): Likely benign (1 of 4 stars; one submission).

Conditions:
EDC4-related condition.

gnomAD v4.1: 58 of 1,613,690 alleles (0.0036%); highest among the groups gnomAD compares: Non-Finnish European, 0.0042%; no homozygotes.

Submission:

PreventionGenetics, part of Exact Sciences
Classification: Likely benign for EDC4-related condition. Last evaluated: 2025-04-21. Review status: criteria provided, single submitter. Criteria: ACMG Guidelines, 2015. Collection method: clinical testing. Allele origin: germline.
Comment: This variant is classified as likely benign based on ACMG/AMP sequence variant interpretation guidelines (Richards et al. 2015 PMID: 25741868, with internal and published modifications).